The following is an entry in ClinVar:

NM_000091.5(COL4A3):c.2414C>A (p.Pro805His)

Genes: COL4A3 (collagen type IV alpha 3 chain; plus strand), MFF-DT (MFF divergent transcript; minus strand). Cytogenetic location: 2q36.3.
Variant type: single nucleotide variant.
Coding change: c.2414C>A on transcript NM_000091.5 (MANE Select); coding-DNA position 2414, C replaced by A.
Protein change: p.Pro805His; replaces proline 805 with histidine.
Molecular consequence: missense variant.
Genome position (GRCh38, 1-based): chr2:227,280,932, C>A. VCF-style: chr2-227280932-C-A. GRCh37 (hg19) VCF-style: chr2-228145648-C-A.
Other names: short protein forms P805H.
Identifiers: ClinVar variation 3363355 (VCV003363355.2).

ClinVar aggregate classification (germline): Uncertain significance. Review status: criteria provided, multiple submitters, no conflicts (2 of 4 stars). 2 submissions from 2 submitters: Uncertain significance (2). Last evaluated 2026-04-23.

Conditions:
Inborn genetic diseases. Identifiers: MedGen C0950123, MeSH D030342.

gnomAD v4.1: 3 of 1,565,118 alleles (0.00019%); highest among the groups gnomAD compares: African/African-American, 0.0027%; no homozygotes.

Submissions (2):

Ambry Genetics
Classification: Uncertain significance for Inborn genetic diseases. Last evaluated: 2026-04-23. Review status: criteria provided, single submitter. Criteria: Ambry Variant Classification Scheme 2023. Collection method: clinical testing. Allele origin: germline.

GeneDx
Classification: Uncertain significance. Last evaluated: 2023-10-27. Review status: criteria provided, single submitter. Criteria: GeneDx Variant Classification Process June 2021. Collection method: clinical testing. Allele origin: germline. Affected: yes.
Comment: Not observed at significant frequency in large population cohorts (gnomAD); In silico analysis supports that this missense variant does not alter protein structure/function; Has not been previously published as pathogenic or benign to our knowledge; Occurs in the triple helical domain at the X position in the canonical Gly-X-Y repeat; although this variant may have an effect on normal protein folding and function, missense substitution at the X position is not a common mechanism of disease